The following is an entry in ClinVar:

NM_001148.6(ANK2):c.3136C>T (p.Leu1046=)

Gene: ANK2 (ankyrin 2; plus strand). Cytogenetic location: 4q26.
Variant type: single nucleotide variant.
Coding change: c.3136C>T on transcript NM_001148.6 (MANE Select); coding-DNA position 3136, C replaced by T.
Protein change: p.Leu1046=; no amino-acid change (leucine 1046 retained).
Molecular consequence: synonymous variant. On other transcripts: intron variant (42).
Genome position (GRCh38, 1-based): chr4:113,331,982, C>T. VCF-style: chr4-113331982-C-T. GRCh37 (hg19) VCF-style: chr4-114253138-C-T.
Other names: c.3109C>T, p.Leu1037= (NM_001127493.3); c.3148C>T, p.Leu1050= (NM_001354225.2); c.3178C>T, p.Leu1060= (NM_001354231.2, NM_001354242.2); c.3172C>T, p.Leu1058= (NM_001354232.2); c.3133C>T, p.Leu1045= (NM_001354235.2, NM_001354246.2, NM_001354265.2); c.3214C>T, p.Leu1072= (NM_001354237.2); c.3106C>T, p.Leu1036= (NM_001354239.2, NM_001354252.2); c.3181C>T, p.Leu1061= (NM_001354240.2, NM_001354241.2, NM_001386144.1); and 28 more.
Identifiers: ClinVar variation 263473 (VCV000263473.21), dbSNP rs149840991, ClinGen allele CA3050783.
Genomic context (GRCh38, chr4:113,331,982, plus strand): 5'-CTGAAGCTTACCTATGTTCTTTCTTTCACTGCTGCTTTGGATGTACTCAGTAAACTTCAC[C>T]TGCCAACGGCTCCTCCCCCACTTAATGAGGGAGAAAGTTTGGTCAGCCGCATTCTTCAGC-3'
Protein context (NP_001139.3, residues 1036-1056): SGAQFLGKLH[Leu1046=]PTAPPPLNEG

ClinVar aggregate classification (germline): Benign/Likely benign. Review status: criteria provided, multiple submitters, no conflicts (2 of 4 stars). 7 submissions from 7 submitters: Benign (2); Likely benign (3). 2 of the submissions do not count toward it. Last evaluated 2025-09-03.

Conditions:
Cardiovascular phenotype. Identifiers: MedGen CN230736.
Long QT syndrome (LQTS). Identifiers: MedGen C0023976, MeSH D008133, MONDO:0002442. Disease mechanism: loss of function. Inheritance: Various modes of inheritance.
Cardiac arrhythmia, ankyrin-B-related. Also called: ANKYRIN-B SYNDROME. Identifiers: Orphanet 101016, Orphanet 768, MedGen C1970119, MONDO:0010958, OMIM 600919.

Allele frequency attached by ClinVar (database versions not stated): gnomAD 0.00005; TOPMed 0.00008; gnomAD exomes 0.00010 and 0.00030; ExAC 0.00011; 1000 Genomes Project 30x 0.00016; 1000 Genomes Project 0.00020; ESP Exome Variant Server 0.00023.
gnomAD v4.1: 434 of 1,614,044 alleles (0.027%); highest among the groups gnomAD compares: Non-Finnish European, 0.036%; no homozygotes.

Submissions (7):

Labcorp Genetics (formerly Invitae), Labcorp
Classification: Likely benign for Long QT syndrome. Last evaluated: 2025-09-03. Review status: criteria provided, single submitter. Criteria: Invitae Variant Classification Sherloc (09022015). Collection method: clinical testing. Allele origin: germline.

Blueprint Genetics
Classification: Likely benign. Last evaluated: 2024-10-18. Review status: criteria provided, single submitter. Criteria: ACMG Guidelines, 2015. Collection method: clinical testing. Allele origin: germline.

Genome-Nilou Lab
Classification: Benign for Cardiac arrhythmia, ankyrin-B-related. Last evaluated: 2021-12-05. Review status: criteria provided, single submitter. Criteria: ACMG Guidelines, 2015. Collection method: clinical testing. Allele origin: germline. Affected: no.

Ambry Genetics
Classification: Likely benign for Cardiovascular phenotype. Last evaluated: 2019-03-05. Review status: criteria provided, single submitter. Criteria: Ambry Variant Classification Scheme 2023. Collection method: clinical testing. Allele origin: germline.

GeneDx
Classification: Benign. Last evaluated: 2015-03-19. Review status: criteria provided, single submitter. Criteria: GeneDx Variant Classification (06012015). Collection method: clinical testing. Allele origin: germline. Affected: yes.
Comment: This variant is considered likely benign or benign based on one or more of the following criteria: it is a conservative change, it occurs at a poorly conserved position in the protein, it is predicted to be benign by multiple in silico algorithms, and/or has population frequency not consistent with disease.

Clinical Genetics, Academic Medical Center
Classification: Benign. Review status: no assertion criteria provided. Collection method: clinical testing. Allele origin: germline. Affected: yes. Study: VKGL Data-share Consensus. Not counted in ClinVar's aggregate classification.

Joint Genome Diagnostic Labs from Nijmegen and Maastricht, Radboudumc and MUMC+
Classification: Likely benign. Review status: no assertion criteria provided. Collection method: clinical testing. Allele origin: germline. Affected: yes. Study: VKGL Data-share Consensus. Not counted in ClinVar's aggregate classification.